The following is an entry in ClinVar:

ClinVar aggregate classification (germline): Uncertain significance. Review status: criteria provided, multiple submitters, no conflicts (2 of 4 stars). 4 submissions from 4 submitters: Uncertain significance (4). Last evaluated 2024-08-29.

Conditions:
Primary ciliary dyskinesia. Also called: Ciliary dyskinesia. Identifiers: Orphanet 244, MedGen C0008780, MONDO:0016575, HP:0012265.

Allele frequency attached by ClinVar (database versions not stated): gnomAD 0.00008 and 0.00009; gnomAD exomes 0.00014; TOPMed 0.00015; ExAC 0.00018.
gnomAD v4.1: 222 of 1,612,558 alleles (0.014%); highest among the groups gnomAD compares: Middle Eastern, 0.066%; no homozygotes.

Submissions (4):

Blueprint Genetics
Classification: Uncertain significance. Last evaluated: 2024-08-29. Review status: criteria provided, single submitter. Criteria: ACMG Guidelines, 2015. Collection method: clinical testing. Allele origin: germline.

Labcorp Genetics (formerly Invitae), Labcorp
Classification: Uncertain significance for Primary ciliary dyskinesia. Last evaluated: 2023-12-27. Review status: criteria provided, single submitter. Criteria: Invitae Variant Classification Sherloc (09022015). Collection method: clinical testing. Allele origin: germline.
Comment: This sequence change replaces serine, which is neutral and polar, with proline, which is neutral and non-polar, at codon 48 of the DNAH8 protein (p.Ser48Pro). This variant is present in population databases (rs776744908, gnomAD 0.02%). This variant has not been reported in the literature in individuals affected with DNAH8-related conditions. ClinVar contains an entry for this variant (Variation ID: 525258). Algorithms developed to predict the effect of missense changes on protein structure and function output the following: SIFT: "Not Available"; PolyPhen-2: "Not Available"; Align-GVGD: "Not Available". The proline amino acid residue is found in multiple mammalian species, which suggests that this missense change does not adversely affect protein function. In summary, the available evidence is currently insufficient to determine the role of this variant in disease. Therefore, it has been classified as a Variant of Uncertain Significance.

Mayo Clinic Laboratories, Mayo Clinic
Classification: Uncertain significance. Last evaluated: 2023-03-30. Review status: criteria provided, single submitter. Criteria: ACMG Guidelines, 2015. Collection method: clinical testing. Allele origin: germline. Observed: 1 variant allele.
Comment: BP4_strong

Breakthrough Genomics
Classification: Uncertain significance. Review status: criteria provided, single submitter. Criteria: ACMG Guidelines, 2015. Collection method: not provided. Allele origin: germline. Inheritance: Autosomal recessive inheritance. Affected: yes.

Literature cited by the submitters: PubMed 32574564 (cited by Mayo Clinic Laboratories, Mayo Clinic).

NM_001206927.2(DNAH8):c.142T>C (p.Ser48Pro)

Genes: DNAH8 (dynein axonemal heavy chain 8; plus strand), LOC126859667 (BRD4-independent group 4 enhancer GRCh37_chr6:38690326-38691525; plus strand). Cytogenetic location: 6p21.2.
Variant type: single nucleotide variant.
Coding change: c.142T>C on transcript NM_001206927.2 (MANE Select); coding-DNA position 142, T replaced by C.
Protein change: p.Ser48Pro; replaces serine 48 with proline.
Molecular consequence: missense variant. On other transcripts: 5 prime UTR variant (1).
Genome position (GRCh38, 1-based): chr6:38,722,951, T>C. VCF-style: chr6-38722951-T-C. GRCh37 (hg19) VCF-style: chr6-38690727-T-C.
Other names: p.Ser48Pro; c.-425T>C (NM_001371.4); short protein forms S48P.
Identifiers: ClinVar variation 525258 (VCV000525258.11), dbSNP rs776744908, ClinGen allele CA3787870.